The following is an entry in ClinVar:

NM_001098816.3(TENM4):c.7529C>T (p.Thr2510Met)

Gene: TENM4 (teneurin transmembrane protein 4; minus strand). Cytogenetic location: 11q14.1.
Variant type: single nucleotide variant.
Coding change: c.7529C>T on transcript NM_001098816.3 (MANE Select); coding-DNA position 7529, C replaced by T.
Protein change: p.Thr2510Met; replaces threonine 2510 with methionine.
Molecular consequence: missense variant.
Genome position (GRCh38, 1-based): chr11:78,661,471, G>A on the plus strand (C>T on the coding strand, the complement: TENM4 is on the minus strand). VCF-style: chr11-78661471-G-A. GRCh37 (hg19) VCF-style: chr11-78372516-G-A.
Other names: short protein forms T2510M.
Identifiers: ClinVar variation 4978757 (VCV004978757.1).
Genomic context (GRCh38, chr11:78,661,471, plus strand): 5'-GAGTGGCCTGAGGAGTGGCAGCCTTGTGCAGGAATTACCTTGCTGTTGTCCCACTCCTGC[G>A]TTTTCATCTGTGTGTGGATGAGCTCGTAGGAGGGTTCCATGGCATCCATGTCTGGTTTGG-3'
Protein context (NP_001092286.2, residues 2500-2520): SYELIHTQMK[Thr2510Met]QEWDNSKSIL

ClinVar aggregate classification (germline): Uncertain significance (1 of 4 stars; one submission).

Conditions:
TENM4-related disorder. Also called: TENM4-related condition.

gnomAD v4.1: 42 of 1,610,032 alleles (0.0026%); highest among the groups gnomAD compares: East Asian, 0.0089%; no homozygotes.

Submission:

PreventionGenetics, part of Exact Sciences
Classification: Uncertain significance for TENM4-related condition. Last evaluated: 2025-02-25. Review status: criteria provided, single submitter. Criteria: ACMG Guidelines, 2015. Collection method: clinical testing. Allele origin: germline.
Comment: The TENM4 c.7529C>T variant is predicted to result in the amino acid substitution p.Thr2510Met. This variant was reported in an individual with autism spectrum disorder (Iossifov et al. 2014. PubMed ID: 25363768), but otherwise to our knowledge has not been reported in any individuals with hereditary essential tremor or related conditions. This variant is reported in 0.0055% of alleles in individuals of European (Non-Finnish) descent in gnomAD. At this time, the clinical significance of this variant is uncertain due to the absence of conclusive functional and genetic evidence.